The following is an entry in ClinVar:

ClinVar aggregate classification (germline): Likely benign. Review status: criteria provided, multiple submitters, no conflicts (2 of 4 stars). 2 submissions from 2 submitters: Likely benign (2). Last evaluated 2025-07-09.

Conditions:
LPIN2-related disorder. Also called: LPIN2-related condition.
Majeed syndrome (MJDS). Also called: CHRONIC RECURRENT MULTIFOCAL OSTEOMYELITIS 1, WITH CONGENITAL DYSERYTHROPOIETIC ANEMIA, WITH OR WITHOUT NEUTROPHILIC DERMATOSIS; LPIN2-Related Majeed Syndrome. Identifiers: Orphanet 77297, MedGen C1864997, MONDO:0012316, OMIM 609628.

Allele frequency attached by ClinVar (database versions not stated): gnomAD 0.00001 and 0.00002; gnomAD exomes 0.00003 and 0.00008; TOPMed 0.00003; ExAC 0.00011; 1000 Genomes Project 30x 0.00031; 1000 Genomes Project 0.00040.
gnomAD v4.1: 45 of 1,613,894 alleles (0.0028%); highest among the groups gnomAD compares: East Asian, 0.051%; 1 homozygote.

Submissions (2):

Labcorp Genetics (formerly Invitae), Labcorp
Classification: Likely benign for Majeed syndrome. Last evaluated: 2025-07-09. Review status: criteria provided, single submitter. Criteria: Invitae Variant Classification Sherloc (09022015). Collection method: clinical testing. Allele origin: germline.

PreventionGenetics, part of Exact Sciences
Classification: Likely benign for LPIN2-related condition. Last evaluated: 2025-06-30. Review status: criteria provided, single submitter. Criteria: ACMG Guidelines, 2015. Collection method: clinical testing. Allele origin: germline.
Comment: This variant is classified as likely benign based on ACMG/AMP sequence variant interpretation guidelines (Richards et al. 2015 PMID: 25741868, with internal and published modifications).

NM_001375808.2(LPIN2):c.2202G>A (p.Ser734=)

Gene: LPIN2 (lipin 2; minus strand). Cytogenetic location: 18p11.31.
Variant type: single nucleotide variant.
Coding change: c.2202G>A on transcript NM_001375808.2 (MANE Select); coding-DNA position 2202, G replaced by A.
Protein change: p.Ser734=; no amino-acid change (serine 734 retained).
Molecular consequence: synonymous variant.
Genome position (GRCh38, 1-based): chr18:2,922,172, C>T on the plus strand (G>A on the coding strand, the complement: LPIN2 is on the minus strand). VCF-style: chr18-2922172-C-T. GRCh37 (hg19) VCF-style: chr18-2922170-C-T.
Other names: c.2202G>A, p.Ser734= (NM_001375809.1, NM_014646.2).
Identifiers: ClinVar variation 1109997 (VCV001109997.10), dbSNP rs559418917, ClinGen allele CA8872806.